The following is an entry in ClinVar:

NM_000091.5(COL4A3):c.1393G>A (p.Val465Ile)

Genes: COL4A3 (collagen type IV alpha 3 chain; plus strand), MFF-DT (MFF divergent transcript; minus strand). Cytogenetic location: 2q36.3.
Variant type: single nucleotide variant.
Coding change: c.1393G>A on transcript NM_000091.5 (MANE Select); coding-DNA position 1393, G replaced by A.
Protein change: p.Val465Ile; replaces valine 465 with isoleucine.
Molecular consequence: missense variant.
Genome position (GRCh38, 1-based): chr2:227,266,494, G>A. VCF-style: chr2-227266494-G-A. GRCh37 (hg19) VCF-style: chr2-228131210-G-A.
Other names: short protein forms V465I.
Identifiers: ClinVar variation 2651956 (VCV002651956.25), dbSNP rs750692670, ClinGen allele CA2146633.

ClinVar aggregate classification (germline): Uncertain significance. Review status: criteria provided, multiple submitters, no conflicts (2 of 4 stars). 2 submissions from 2 submitters: Uncertain significance (2). Last evaluated 2026-03-12.

Conditions:
Autosomal dominant Alport syndrome (ATS3A). Also called: Alport syndrome dominant type; Renal failure and sensorineural hearing loss; ALPORT SYNDROME 3A, AUTOSOMAL DOMINANT. Identifiers: Orphanet 63, Orphanet 88918, MedGen C5882663, MONDO:0007086, OMIM 104200.
Alport syndrome 3b, autosomal recessive. Identifiers: MedGen C5882699, MONDO:0957811, OMIM 620536.

Allele frequency attached by ClinVar (database versions not stated): TOPMed below 0.00001; ExAC 0.00001; gnomAD 0.00001; gnomAD exomes 0.00001.
gnomAD v4.1: 4 of 1,613,612 alleles (0.00025%); highest among the groups gnomAD compares: Non-Finnish European, 0.00034%; no homozygotes.

Submissions (2):

Clinical Genomics Laboratory, Washington University in St. Louis
Classification: Uncertain significance for Autosomal dominant Alport syndrome; Alport syndrome 3b, autosomal recessive. Last evaluated: 2026-03-12. Review status: criteria provided, single submitter. Criteria: ACMG Guidelines, 2015. Collection method: clinical testing. Allele origin: germline.
Comment: A COL4A3 c.1393G>A (p.Val465Ile) variant was identified in a heterozygous state. This variant, to our knowledge, has not been reported in the medical literature but has been reported in the ClinVar database as a germline variant of uncertain significance by one submitter (ClinVar ID: 2651956). This variant is only observed on 4/1,613,612 alleles in the general population (gnomAD v4.1.0), indicating it is not a common variant. Computational predictors are uncertain as to the impact of this variant on COL4A3 function. Due to limited information, and based on ACMG/AMP guidelines for variant interpretation (Richards S et al., PMID: 25741868), the clinical significance of this variant is uncertain at this time.

CeGaT Center for Human Genetics Tuebingen
Classification: Uncertain significance. Last evaluated: 2022-10-01. Review status: criteria provided, single submitter. Criteria: CeGaT Center For Human Genetics Tuebingen Variant Classification Criteria Version 2. Collection method: clinical testing. Allele origin: germline. Affected: yes. Observed: 1 variant allele.

Literature cited by the submitters: uncertain (cited by Clinical Genomics Laboratory, Washington University in St. Louis).